The following is an entry in ClinVar:

ClinVar aggregate classification (germline): Uncertain significance. Review status: criteria provided, multiple submitters, no conflicts (2 of 4 stars). 2 submissions from 2 submitters: Uncertain significance (2). Last evaluated 2021-10-13.

Conditions:
Landau-Kleffner syndrome (FESD). Also called: EPILEPSY, FOCAL, WITH SPEECH DISORDER AND WITH OR WITHOUT MENTAL RETARDATION; APHASIA, ACQUIRED, WITH EPILEPSY. Identifiers: Orphanet 1945, Orphanet 725, Orphanet 98818, MedGen C0282512, MONDO:0009509, OMIM 245570.

Submissions (2):

Labcorp Genetics (formerly Invitae), Labcorp
Classification: Uncertain significance for Landau-Kleffner syndrome. Last evaluated: 2021-10-13. Review status: criteria provided, single submitter. Criteria: Invitae Variant Classification Sherloc (09022015). Collection method: clinical testing. Allele origin: germline.
Comment: This variant is not present in population databases (ExAC no frequency). This variant has not been reported in the literature in individuals affected with GRIN2A-related conditions. Advanced modeling of protein sequence and biophysical properties (such as structural, functional, and spatial information, amino acid conservation, physicochemical variation, residue mobility, and thermodynamic stability) performed at Invitae indicates that this missense variant is not expected to disrupt GRIN2A protein function. This sequence change replaces histidine with tyrosine at codon 1389 of the GRIN2A protein (p.His1389Tyr). The histidine residue is weakly conserved and there is a moderate physicochemical difference between histidine and tyrosine. In summary, the available evidence is currently insufficient to determine the role of this variant in disease. Therefore, it has been classified as a Variant of Uncertain Significance.

GeneDx
Classification: Uncertain significance. Last evaluated: 2021-05-26. Review status: criteria provided, single submitter. Criteria: GeneDx Variant Classification Process June 2021. Collection method: clinical testing. Allele origin: germline. Affected: yes.
Comment: Not observed in large population cohorts (Database of Genomic Variants; McDonald et al., 2014); In silico analysis supports that this missense variant does not alter protein structure/function; Has not been previously published as pathogenic or benign to our knowledge

NM_001134407.3(GRIN2A):c.4165C>T (p.His1389Tyr)

Gene: GRIN2A (glutamate ionotropic receptor NMDA type subunit 2A; minus strand). Cytogenetic location: 16p13.2.
Variant type: single nucleotide variant.
Coding change: c.4165C>T on transcript NM_001134407.3 (MANE Select); coding-DNA position 4165, C replaced by T.
Protein change: p.His1389Tyr; replaces histidine 1389 with tyrosine.
Molecular consequence: missense variant. On other transcripts: synonymous variant (1).
Genome position (GRCh38, 1-based): chr16:9,763,379, G>A on the plus strand (C>T on the coding strand, the complement: GRIN2A is on the minus strand). VCF-style: chr16-9763379-G-A. GRCh37 (hg19) VCF-style: chr16-9857236-G-A.
Other names: c.4165C>T, p.His1389Tyr (NM_000833.5); c.3822C>T, p.Asn1274= (NM_001134408.2); short protein forms H1389Y.
Identifiers: ClinVar variation 1304011 (VCV001304011.8), dbSNP rs2141125985, ClinGen allele CA394705930.